The following is an entry in ClinVar:

ClinVar aggregate classification (germline): Uncertain significance. Review status: criteria provided, multiple submitters, no conflicts (2 of 4 stars). 2 submissions from 2 submitters: Uncertain significance (2). Last evaluated 2022-05-09.

Conditions:
Combined immunodeficiency due to STIM1 deficiency. Also called: STIM1 DEFICIENCY; IMMUNODEFICIENCY 10. Identifiers: Orphanet 169090, Orphanet 317430, MedGen C2748557, MONDO:0013008, OMIM 612783.
Myopathy with tubular aggregates (TAM). Also called: Tubular Aggregate Myopathy. Identifiers: Orphanet 2593, MedGen C0410207, MONDO:0008051.
Stormorken syndrome (STRMK). Also called: THROMBOCYTOPATHY, ASPLENIA, AND MIOSIS. Identifiers: Orphanet 3204, MedGen C1861451, MONDO:0008497, OMIM 185070.

Allele frequency attached by ClinVar (database versions not stated): ESP Exome Variant Server 0.00008.

Submissions (2):

Labcorp Genetics (formerly Invitae), Labcorp
Classification: Uncertain significance for Myopathy with tubular aggregates; Combined immunodeficiency due to STIM1 deficiency; Stormorken syndrome. Last evaluated: 2022-05-09. Review status: criteria provided, single submitter. Criteria: Invitae Variant Classification Sherloc (09022015). Collection method: clinical testing. Allele origin: germline.
Comment: In summary, the available evidence is currently insufficient to determine the role of this variant in disease. Therefore, it has been classified as a Variant of Uncertain Significance. Algorithms developed to predict the effect of missense changes on protein structure and function (SIFT, PolyPhen-2, Align-GVGD) all suggest that this variant is likely to be tolerated. ClinVar contains an entry for this variant (Variation ID: 1327793). This variant has not been reported in the literature in individuals affected with STIM1-related conditions. This variant is not present in population databases (gnomAD no frequency). This sequence change replaces valine, which is neutral and non-polar, with isoleucine, which is neutral and non-polar, at codon 5 of the STIM1 protein (p.Val5Ile).

GeneDx
Classification: Uncertain significance. Last evaluated: 2021-06-07. Review status: criteria provided, single submitter. Criteria: GeneDx Variant Classification Process June 2021. Collection method: clinical testing. Allele origin: germline. Affected: yes.
Comment: Not observed at significant frequency in large population cohorts (Lek et al., 2016); In silico analysis supports that this missense variant does not alter protein structure/function; Has not been previously published as pathogenic or benign to our knowledge; This variant is associated with the following publications: (PMID: 27535533)

NM_001382567.1(STIM1):c.13G>A (p.Val5Ile)

Genes: STIM1 (stromal interaction molecule 1; plus strand), LOC130005165 (ATAC-STARR-seq lymphoblastoid active region 4312; plus strand). Cytogenetic location: 11p15.4.
Variant type: single nucleotide variant.
Coding change: c.13G>A on transcript NM_001382567.1 (MANE Select); coding-DNA position 13, G replaced by A.
Protein change: p.Val5Ile; replaces valine 5 with isoleucine.
Molecular consequence: missense variant. On other transcripts: synonymous variant (1), 5 prime UTR variant (1), non-coding transcript variant (3), intron variant (10).
Genome position (GRCh38, 1-based): chr11:3,856,283, G>A. VCF-style: chr11-3856283-G-A. GRCh37 (hg19) VCF-style: chr11-3877513-G-A.
Other names: c.13G>A, p.Val5Ile (NM_001277961.3, NM_001277962.2, NM_001382570.1 and 3 more transcripts); c.9G>A, p.Ala3= (NM_001382569.1); c.-225G>A (NM_001382571.1); c.-84+1547G>A (NM_001382578.1, NM_001382575.1, NM_001382574.1); c.-220+1547G>A (NM_001382580.1, NM_001382581.1); c.-84+1629G>A (NM_001382576.1); c.-84+867G>A (NM_001382566.1, NM_001382579.1, NM_001382577.1 and 1 more transcripts); short protein forms V5I.
Identifiers: ClinVar variation 1327793 (VCV001327793.6), dbSNP rs150529970, ClinGen allele CA5830105.